The following is an entry in ClinVar:

ClinVar aggregate classification (germline): Uncertain significance. Review status: criteria provided, multiple submitters, no conflicts (2 of 4 stars). 2 submissions from 2 submitters: Uncertain significance (2). Last evaluated 2026-01-12.

Conditions:
Hypertrophic cardiomyopathy. Also called: HYPERTROPHIC MYOCARDIOPATHY. Identifiers: Orphanet 217569, MedGen C0007194, MeSH D002312, MONDO:0005045, HP:0001639.
Cardiomyopathy (CMYO). Also called: Cardiomyopathies. Identifiers: Orphanet 167848, MedGen C0878544, MONDO:0004994, HP:0001638. Inheritance: Various modes of inheritance.

Submissions (2):

Labcorp Genetics (formerly Invitae), Labcorp
Classification: Uncertain significance for Hypertrophic cardiomyopathy. Last evaluated: 2026-01-12. Review status: criteria provided, single submitter. Criteria: Invitae Variant Classification Sherloc (09022015). Collection method: clinical testing. Allele origin: germline.
Comment: This sequence change replaces valine, which is neutral and non-polar, with alanine, which is neutral and non-polar, at codon 660 of the MYBPC3 protein (p.Val660Ala). This variant is not present in population databases (gnomAD no frequency). This missense change has been observed in individual(s) with clinical features of MYBPC3-related conditions (internal data). ClinVar contains an entry for this variant (Variation ID: 454308). An algorithm developed to predict the effect of missense changes on protein structure and function (PolyPhen-2) suggests that this variant is likely to be disruptive. In summary, the available evidence is currently insufficient to determine the role of this variant in disease. Therefore, it has been classified as a Variant of Uncertain Significance.

Color Diagnostics, LLC DBA Color Health
Classification: Uncertain significance for Cardiomyopathy. Last evaluated: 2025-06-17. Review status: criteria provided, single submitter. Criteria: ACMG Guidelines, 2015. Collection method: clinical testing. Allele origin: germline.
Comment: This missense variant replaces valine with alanine at codon 660 of the MYBPC3 protein. Computational prediction suggests that this variant may not impact protein structure and function. To our knowledge, functional studies have not been reported for this variant. This variant has not been reported in individuals affected with MYBPC3-related disorders in the literature. This variant has not been identified in the general population by the Genome Aggregation Database (gnomAD). The available evidence is insufficient to determine the role of this variant in disease conclusively. Therefore, this variant is classified as a Variant of Uncertain Significance.

NM_000256.3(MYBPC3):c.1979T>C (p.Val660Ala)

Gene: MYBPC3 (myosin binding protein C3; minus strand). Cytogenetic location: 11p11.2.
Variant type: single nucleotide variant.
Coding change: c.1979T>C on transcript NM_000256.3 (MANE Select); coding-DNA position 1979, T replaced by C.
Protein change: p.Val660Ala; replaces valine 660 with alanine.
Molecular consequence: missense variant.
Genome position (GRCh38, 1-based): chr11:47,339,739, A>G on the plus strand (T>C on the coding strand, the complement: MYBPC3 is on the minus strand). VCF-style: chr11-47339739-A-G. GRCh37 (hg19) VCF-style: chr11-47361290-A-G.
Other names: c.1979T>C, p.Val660Ala (LRG_386t1); short protein forms V660A.
Identifiers: ClinVar variation 454308 (VCV000454308.9), dbSNP rs1555121660, ClinGen allele CA380321796.
Genomic context (GRCh38, chr11:47,339,739, plus strand): 5'-GTGGGAGCAGGGTCCCCAGAGATAGGGACGTCCAGACGTAGCTTATTTCCAGCTACAACC[A>G]CAATGGTGTCTGGTATGCGGCCTGGGCAGTCCAGGTGGATCTTGGGAGGTTCTGCAGAAG-3'
Protein context (NP_000247.2, residues 650-670): DCPGRIPDTI[Val660Ala]VVAGNKLRLD